The following is an entry in ClinVar:

ClinVar aggregate classification (germline): Benign (1 of 4 stars; one submission).

Submission:

Unidad de Genómica Garrahan, Hospital de Pediatría Garrahan
Classification: Benign. Last evaluated: 2024-01-24. Review status: criteria provided, single submitter. Criteria: ACMG Guidelines, 2015. Collection method: clinical testing. Allele origin: germline. Affected: no. Observed: 81 variant alleles.
Comment: This variant is classified as Benign based on local population frequency. This variant was detected in 85% of patients studied by a panel of primary immunodeficiencies. Number of patients: 81. Only high quality variants are reported.

NM_004706.4(ARHGEF1):c.1839+121TG[3]

Gene: ARHGEF1 (Rho guanine nucleotide exchange factor 1; plus strand). Cytogenetic location: 19q13.2.
Variant type: Microsatellite.
Coding change: c.1839+121TG[3] on transcript NM_004706.4 (MANE Select); three copies in a row of the 2-base unit TG starting at c.1839+121.
Molecular consequence: intron variant.
Genome position: GRCh38 VCF-style: chr19-41903527-C-CTG. GRCh37 (hg19) VCF-style: chr19-42407677-C-CTG.
Other names: c.1839+121TG[3] (NM_001396003.1, NM_001396006.1); c.1740+121TG[3] (NM_001396002.1, NM_198977.2, NM_001396004.1); c.2007+121TG[3] (NM_001396000.1); c.1884+121TG[3] (NM_199002.2).
Identifiers: ClinVar variation 2687964 (VCV002687964.2), dbSNP rs782805823, ClinGen allele CA882396000.